The following is an entry in ClinVar:

NM_015164.4(PLEKHM2):c.2464G>A (p.Gly822Arg)

Gene: PLEKHM2 (pleckstrin homology and RUN domain containing M2; plus strand). Cytogenetic location: 1p36.21.
Variant type: single nucleotide variant.
Coding change: c.2464G>A on transcript NM_015164.4 (MANE Select); coding-DNA position 2464, G replaced by A.
Protein change: p.Gly822Arg; replaces glycine 822 with arginine.
Molecular consequence: missense variant.
Genome position (GRCh38, 1-based): chr1:15,731,256, G>A. VCF-style: chr1-15731256-G-A. GRCh37 (hg19) VCF-style: chr1-16057751-G-A.
Other names: c.2404G>A, p.Gly802Arg (NM_001410755.1); short protein forms G802R, G822R.
Identifiers: ClinVar variation 2418742 (VCV002418742.6), dbSNP rs1182797437, ClinGen allele CA338572842.

ClinVar aggregate classification (germline): Uncertain significance (1 of 4 stars; one submission).

Submission:

Labcorp Genetics (formerly Invitae), Labcorp
Classification: Uncertain significance. Last evaluated: 2022-09-15. Review status: criteria provided, single submitter. Criteria: Invitae Variant Classification Sherloc (09022015). Collection method: clinical testing. Allele origin: germline.
Comment: Algorithms developed to predict the effect of missense changes on protein structure and function are either unavailable or do not agree on the potential impact of this missense change (SIFT: "Deleterious"; PolyPhen-2: "Probably Damaging"; Align-GVGD: "Class C0"). This sequence change replaces glycine, which is neutral and non-polar, with arginine, which is basic and polar, at codon 822 of the PLEKHM2 protein (p.Gly822Arg). This variant is not present in population databases (gnomAD no frequency). This variant has not been reported in the literature in individuals affected with PLEKHM2-related conditions. In summary, the available evidence is currently insufficient to determine the role of this variant in disease. Therefore, it has been classified as a Variant of Uncertain Significance.